The following is an entry in ClinVar:

GRCh37/hg19 19p13.3(chr19:2273150-2897133)x3

Genes: DIRAS1 (DIRAS family GTPase 1; minus strand), GADD45B (growth arrest and DNA damage inducible beta; plus strand), GNG7 (G protein subunit gamma 7; minus strand), LINGO3 (leucine rich repeat and Ig domain containing 3; minus strand), LMNB2 (lamin B2; minus strand) and 12 more. Cytogenetic location: 19p13.3.
Variant type: copy number gain.
Change: copy number 3 (three copies instead of two) of chr19:2,273,150-2,897,133 (624.0 kb, GRCh37 coordinates, 1-based), cytogenetic band 19p13.3.
Identifiers: ClinVar variation 929386 (VCV000929386.2).

ClinVar aggregate classification (germline): Uncertain significance (1 of 4 stars; one submission).

Submission:

Clinical Genomics Laboratory, Laboratory for Precision Diagnostics, University of Washington
Classification: Uncertain significance. Last evaluated: 2020-01-03. Review status: criteria provided, single submitter. Criteria: Clinical Cytogenomics Laboratory Policy on CNV Interpretation. Collection method: clinical testing. Allele origin: unknown. Affected: yes. Observed: 1 variant allele.